The following is an entry in ClinVar:

NM_198578.4(LRRK2):c.2362A>T (p.Ser788Cys)

Gene: LRRK2 (leucine rich repeat kinase 2; plus strand). Cytogenetic location: 12q12.
Variant type: single nucleotide variant.
Coding change: c.2362A>T on transcript NM_198578.4 (MANE Select); coding-DNA position 2362, A replaced by T.
Protein change: p.Ser788Cys; replaces serine 788 with cysteine.
Molecular consequence: missense variant.
Genome position (GRCh38, 1-based): chr12:40,283,995, A>T. VCF-style: chr12-40283995-A-T. GRCh37 (hg19) VCF-style: chr12-40677797-A-T.
Other names: short protein forms S788C.
Identifiers: ClinVar variation 2562415 (VCV002562415.2), dbSNP rs1384585008, ClinGen allele CA384406699.

ClinVar aggregate classification (germline): Uncertain significance (1 of 4 stars; one submission).

Conditions:
Inborn genetic diseases. Identifiers: MedGen C0950123, MeSH D030342.

Allele frequency attached by ClinVar (database versions not stated): gnomAD 0.00001; TOPMed 0.00001.
gnomAD v4.1: 2 of 1,613,954 alleles (0.00012%); highest among the groups gnomAD compares: Non-Finnish European, 0.00017%; no homozygotes.

Submission:

Ambry Genetics
Classification: Uncertain significance for Inborn genetic diseases. Last evaluated: 2023-05-07. Review status: criteria provided, single submitter. Criteria: Ambry Variant Classification Scheme 2023. Collection method: clinical testing. Allele origin: germline.
Comment: The p.S788C variant (also known as c.2362A>T), located in coding exon 19 of the LRRK2 gene, results from an A to T substitution at nucleotide position 2362. The serine at codon 788 is replaced by cysteine, an amino acid with dissimilar properties. This amino acid position is conserved. In addition, the in silico prediction for this alteration is inconclusive. Since supporting evidence is limited at this time, the clinical significance of this alteration remains unclear.